The following is an entry in ClinVar:

ClinVar aggregate classification (germline): Uncertain significance. Review status: criteria provided, multiple submitters, no conflicts (2 of 4 stars). 2 submissions from 2 submitters: Uncertain significance (2). Last evaluated 2024-11-13.

Conditions:
Inborn genetic diseases. Identifiers: MedGen C0950123, MeSH D030342.
Carnitine palmitoyltransferase II deficiency. Also called: Carnitine Palmitoyltransferase 2 Deficiency. Identifiers: Orphanet 157, MedGen C0342790, MONDO:0015515.

Allele frequency attached by ClinVar (database versions not stated): ExAC 0.00001; gnomAD exomes 0.00001.

Submissions (2):

Ambry Genetics
Classification: Uncertain significance for Inborn genetic diseases. Last evaluated: 2024-11-13. Review status: criteria provided, single submitter. Criteria: Ambry Variant Classification Scheme 2023. Collection method: clinical testing. Allele origin: germline.

Labcorp Genetics (formerly Invitae), Labcorp
Classification: Uncertain significance for Carnitine palmitoyltransferase II deficiency. Last evaluated: 2022-04-12. Review status: criteria provided, single submitter. Criteria: Invitae Variant Classification Sherloc (09022015). Collection method: clinical testing. Allele origin: germline.
Comment: This sequence change replaces alanine, which is neutral and non-polar, with glycine, which is neutral and non-polar, at codon 123 of the CPT2 protein (p.Ala123Gly). This variant is present in population databases (rs757294874, gnomAD 0.01%). This variant has not been reported in the literature in individuals affected with CPT2-related conditions. Advanced modeling of protein sequence and biophysical properties (such as structural, functional, and spatial information, amino acid conservation, physicochemical variation, residue mobility, and thermodynamic stability) performed at Invitae indicates that this missense variant is not expected to disrupt CPT2 protein function. In summary, the available evidence is currently insufficient to determine the role of this variant in disease. Therefore, it has been classified as a Variant of Uncertain Significance.

NM_000098.3(CPT2):c.368C>G (p.Ala123Gly)

Gene: CPT2 (carnitine palmitoyltransferase 2; plus strand). Cytogenetic location: 1p32.3.
Variant type: single nucleotide variant.
Coding change: c.368C>G on transcript NM_000098.3 (MANE Select); coding-DNA position 368, C replaced by G.
Protein change: p.Ala123Gly; replaces alanine 123 with glycine.
Molecular consequence: missense variant.
Genome position (GRCh38, 1-based): chr1:53,210,042, C>G. VCF-style: chr1-53210042-C-G. GRCh37 (hg19) VCF-style: chr1-53675714-C-G.
Other names: c.368C>G (NM_000098.2); c.368C>G, p.Ala123Gly (NM_001330589.2); short protein forms A123G.
Identifiers: ClinVar variation 2178250 (VCV002178250.2), dbSNP rs757294874, ClinGen allele CA858970.